The following is an entry in ClinVar:

ClinVar aggregate classification (germline): Uncertain significance (1 of 4 stars; one submission).

Conditions:
Developmental and epileptic encephalopathy, 53. Also called: Epileptic encephalopathy, early infantile, 53. Identifiers: MedGen C4479313, MONDO:0033362, OMIM 617389.
Early-onset Parkinson disease 20. Also called: PARKINSON DISEASE 20, AUTOSOMAL RECESSIVE EARLY-ONSET. Identifiers: Orphanet 391411, MedGen C3809824, MONDO:0014233, OMIM 615530.

gnomAD v4.1: 1 of 1,609,378 alleles (0.000062%); no homozygotes.

Submission:

Labcorp Genetics (formerly Invitae), Labcorp
Classification: Uncertain significance for Developmental and epileptic encephalopathy, 53; Early-onset Parkinson disease 20. Last evaluated: 2022-03-23. Review status: criteria provided, single submitter. Criteria: Invitae Variant Classification Sherloc (09022015). Collection method: clinical testing. Allele origin: germline.
Comment: This variant has not been reported in the literature in individuals affected with SYNJ1-related conditions. This variant is not present in population databases (gnomAD no frequency). This sequence change replaces alanine, which is neutral and non-polar, with glycine, which is neutral and non-polar, at codon 1042 of the SYNJ1 protein (p.Ala1042Gly). Algorithms developed to predict the effect of missense changes on protein structure and function are either unavailable or do not agree on the potential impact of this missense change (SIFT: "Tolerated"; PolyPhen-2: "Possibly Damaging"; Align-GVGD: "Class C0"). In summary, the available evidence is currently insufficient to determine the role of this variant in disease. Therefore, it has been classified as a Variant of Uncertain Significance.

NM_203446.3(SYNJ1):c.3008C>G (p.Ala1003Gly)

Gene: SYNJ1 (synaptojanin 1; minus strand). Cytogenetic location: 21q22.11.
Variant type: single nucleotide variant.
Coding change: c.3008C>G on transcript NM_203446.3 (MANE Select); coding-DNA position 3008, C replaced by G.
Protein change: p.Ala1003Gly; replaces alanine 1003 with glycine.
Molecular consequence: missense variant.
Genome position (GRCh38, 1-based): chr21:32,650,213, G>C on the plus strand (C>G on the coding strand, the complement: SYNJ1 is on the minus strand). VCF-style: chr21-32650213-G-C. GRCh37 (hg19) VCF-style: chr21-34022523-G-C.
Other names: c.3008C>G, p.Ala1003Gly (NM_001160302.2); c.2993C>G, p.Ala998Gly (NM_001160306.2); c.3125C>G, p.Ala1042Gly (NM_003895.4); short protein forms A1042G, A998G, A1003G.
Identifiers: ClinVar variation 1946939 (VCV001946939.5), dbSNP rs2517472142, ClinGen allele CA410070508.
Genomic context (GRCh38, chr21:32,650,213, plus strand): 5'-TACAAGAAGTAAATGTGTTTAAGAAACAAACCTTCCATATCAAAATCTGCTGCAACCTCT[G>C]CATCTTCACCAAGCAGGGTAGAGCTTGTTGATGATGGCAATGCAATGCTAATTTTCTCTA-3'
Protein context (NP_982271.3, residues 993-1013): STSSTLLGED[Ala1003Gly]EVAADFDMEG